The following is an entry in ClinVar:

ClinVar aggregate classification (germline): Pathogenic (1 of 4 stars; one submission).

Submission:

Labcorp Genetics (formerly Invitae), Labcorp
Classification: Pathogenic. Last evaluated: 2022-01-02. Review status: criteria provided, single submitter. Criteria: Invitae Variant Classification Sherloc (09022015). Collection method: clinical testing. Allele origin: germline.
Comment: For these reasons, this variant has been classified as Pathogenic. This variant has not been reported in the literature in individuals affected with KARS-related conditions. This variant is a gross deletion of the genomic region encompassing exon(s) 4 of the KARS gene. This deletion is out-of-frame, and is expected to create a premature termination codon and result in an absent or disrupted protein product. Loss-of-function variants in KARS are known to be pathogenic (PMID: 30252186, 33942428).

Literature cited by the submitters: PubMed 30252186; PubMed 33942428.

NC_000016.9:g.(?_75674062)_(75674267_?)del

Gene: KARS1 (lysyl-tRNA synthetase 1; minus strand). Cytogenetic location: 16q23.1.
Variant type: Deletion.
Identifiers: ClinVar variation 2423782 (VCV002423782.4).